The following is an entry in ClinVar:

NM_001163560.3(MEIOB):c.814C>T (p.Arg272Ter)

Gene: MEIOB (meiosis specific with OB-fold; minus strand). Cytogenetic location: 16p13.3.
Variant type: single nucleotide variant.
Coding change: c.814C>T on transcript NM_001163560.3 (MANE Select); coding-DNA position 814, C replaced by T.
Protein change: p.Arg272Ter; replaces arginine 272 with a stop codon.
Molecular consequence: nonsense.
Genome position (GRCh38, 1-based): chr16:1,844,928, G>A on the plus strand (C>T on the coding strand, the complement: MEIOB is on the minus strand). VCF-style: chr16-1844928-G-A. GRCh37 (hg19) VCF-style: chr16-1894929-G-A.
Other names: c.814C>T, p.Arg272Ter (NM_152764.3); short protein forms R272*.
Identifiers: ClinVar variation 2045761 (VCV002045761.4), dbSNP rs35694423, ClinGen allele CA7821860.
Genomic context (GRCh38, chr16:1,844,928, plus strand): 5'-TGGATTCTTTGAAATAACTGTCAATTTCATCATCCAGAACATTCGTTTCTTTATTTTCTC[G>A]TATAAAATTCAGCAGAATGTTAGCTTCTGGTATATCTTAAATTGAAAATGCATAATAAGT-3'

ClinVar aggregate classification (germline): Pathogenic. Review status: criteria provided, single submitter (1 of 4 stars). 3 submissions from 2 submitters: Pathogenic (1). 2 of the submissions do not count toward it. Last evaluated 2022-06-27.

Conditions:
Premature ovarian failure 23 (POF23). Identifiers: MedGen C5882747, MONDO:0958035, OMIM 620686.
Spermatogenic failure 22. Identifiers: MedGen C4540179, MONDO:0054726, OMIM 617706.

Allele frequency attached by ClinVar (database versions not stated): gnomAD 0.00003; ESP Exome Variant Server 0.00008; TOPMed 0.00006.
gnomAD v4.1: 23 of 1,551,330 alleles (0.0015%); highest among the groups gnomAD compares: African/African-American, 0.0054%; no homozygotes.

Submissions (3):

Labcorp Genetics (formerly Invitae), Labcorp
Classification: Pathogenic. Last evaluated: 2022-06-27. Review status: criteria provided, single submitter. Criteria: Invitae Variant Classification Sherloc (09022015). Collection method: clinical testing. Allele origin: germline.
Comment: This sequence change creates a premature translational stop signal (p.Arg272*) in the MEIOB gene. It is expected to result in an absent or disrupted protein product. Loss-of-function variants in MEIOB are known to be pathogenic (PMID: 30838384). The frequency data for this variant in the population databases is considered unreliable, as metrics indicate poor data quality at this position in the gnomAD database. This variant has not been reported in the literature in individuals affected with MEIOB-related conditions. For these reasons, this variant has been classified as Pathogenic.

OMIM
Classification: Pathogenic for PREMATURE OVARIAN FAILURE 23. Last evaluated: 2026-10-13. Review status: no assertion criteria provided. Collection method: literature only. Allele origin: germline. Not counted in ClinVar's aggregate classification.

OMIM
Classification: Pathogenic for SPERMATOGENIC FAILURE 22. Last evaluated: 2026-10-13. Review status: no assertion criteria provided. Collection method: literature only. Allele origin: germline. Not counted in ClinVar's aggregate classification.

Literature cited by the submitters: PubMed 30838384 (cited by Labcorp Genetics (formerly Invitae), Labcorp); PubMed 35991565 (cited by OMIM); PubMed 39545410 (cited by OMIM); PubMed 37715646 (cited by OMIM).